The following is an entry in ClinVar:

ClinVar aggregate classification (germline): Benign/Likely benign. Review status: criteria provided, multiple submitters, no conflicts (2 of 4 stars). 4 submissions from 4 submitters: Benign (2); Likely benign (2). Last evaluated 2025-09-02.

Conditions:
Familial pulmonary capillary hemangiomatosis (PVOD2). Also called: Pulmonary venoocclusive disease 2, autosomal recessive; Pulmonary venoocclusive disease 2. Identifiers: Orphanet 199241, MedGen C0340848, MONDO:0009329, OMIM 234810.

Allele frequency attached by ClinVar (database versions not stated): ESP Exome Variant Server 0.00016; gnomAD 0.00209 and 0.00235; TOPMed 0.00238; ExAC 0.00298; 1000 Genomes Project 0.00659; 1000 Genomes Project 30x 0.00671.
gnomAD v4.1: 1,936 of 1,612,578 alleles (0.12%); highest among the groups gnomAD compares: East Asian, 1.8%; 15 homozygotes.

Submissions (4):

Labcorp Genetics (formerly Invitae), Labcorp
Classification: Benign. Last evaluated: 2025-09-02. Review status: criteria provided, single submitter. Criteria: Invitae Variant Classification Sherloc (09022015). Collection method: clinical testing. Allele origin: germline.

ARUP Laboratories, Molecular Genetics and Genomics, ARUP Laboratories
Classification: Benign for Familial pulmonary capillary hemangiomatosis. Last evaluated: 2023-09-26. Review status: criteria provided, single submitter. Criteria: ARUP Molecular Germline Variant Investigation Process 2024. Collection method: clinical testing. Allele origin: germline.

GeneDx
Classification: Likely benign. Last evaluated: 2018-01-16. Review status: criteria provided, single submitter. Criteria: GeneDx Variant Classification (06012015). Collection method: clinical testing. Allele origin: germline. Affected: yes.
Comment: This variant is considered likely benign or benign based on one or more of the following criteria: it is a conservative change, it occurs at a poorly conserved position in the protein, it is predicted to be benign by multiple in silico algorithms, and/or has population frequency not consistent with disease.

Breakthrough Genomics
Classification: Likely benign. Review status: criteria provided, single submitter. Criteria: ACMG Guidelines, 2015. Collection method: not provided. Allele origin: germline. Inheritance: Autosomal recessive inheritance. Affected: yes.

NM_001013703.4(EIF2AK4):c.2403+12G>A

Gene: EIF2AK4 (eukaryotic translation initiation factor 2 alpha kinase 4; plus strand). Cytogenetic location: 15q15.1.
Variant type: single nucleotide variant.
Coding change: c.2403+12G>A on transcript NM_001013703.4 (MANE Select); 12 bases into the intron after coding-DNA position 2403, G replaced by A.
Molecular consequence: intron variant.
Genome position (GRCh38, 1-based): chr15:39,985,900, G>A. VCF-style: chr15-39985900-G-A. GRCh37 (hg19) VCF-style: chr15-40278101-G-A.
Identifiers: ClinVar variation 506508 (VCV000506508.20), dbSNP rs17848517, ClinGen allele CA7474032.
Genomic context (GRCh38, chr15:39,985,900, plus strand): 5'-AAGTGAGCCATCAGTGACGACTGAGGCTGTGCACTACCTATACATCCAGGTGAGGTCGTG[G>A]TGTGTAGTTAGGTGACACAGCAACACCCAGTAGTGGCGGGTGGGCCTGTTTCAGGGTATT-3'